The following is an entry in ClinVar:

ClinVar aggregate classification (germline): Uncertain significance (1 of 4 stars; one submission).

Submission:

Greenwood Genetic Center Diagnostic Laboratories, Greenwood Genetic Center
Classification: Uncertain significance. Last evaluated: 2021-10-06. Review status: criteria provided, single submitter. Criteria: ACMG Guidelines, 2015. Collection method: clinical testing. Allele origin: germline. Affected: yes.
Comment: PP2, PP3, PM2

NM_015355.4(SUZ12):c.1917T>G (p.Phe639Leu)

Gene: SUZ12 (SUZ12 polycomb repressive complex 2 subunit; plus strand). Cytogenetic location: 17q11.2.
Variant type: single nucleotide variant.
Coding change: c.1917T>G on transcript NM_015355.4 (MANE Select); coding-DNA position 1917, T replaced by G.
Protein change: p.Phe639Leu; replaces phenylalanine 639 with leucine.
Molecular consequence: missense variant.
Genome position (GRCh38, 1-based): chr17:31,998,700, T>G. VCF-style: chr17-31998700-T-G. GRCh37 (hg19) VCF-style: chr17-30325719-T-G.
Other names: c.1848T>G, p.Phe616Leu (NM_001321207.2); short protein forms F616L, F639L.
Identifiers: ClinVar variation 1334606 (VCV001334606.4), dbSNP rs2142222259, ClinGen allele CA399036263.